The following is an entry in ClinVar:

NM_021975.4(RELA):c.1289A>G (p.Gln430Arg)

Gene: RELA (RELA proto-oncogene, NF-kB subunit; minus strand). Cytogenetic location: 11q13.1.
Variant type: single nucleotide variant.
Coding change: c.1289A>G on transcript NM_021975.4 (MANE Select); coding-DNA position 1289, A replaced by G.
Protein change: p.Gln430Arg; replaces glutamine 430 with arginine.
Molecular consequence: missense variant. On other transcripts: intron variant (1).
Genome position (GRCh38, 1-based): chr11:65,654,745, T>C on the plus strand (A>G on the coding strand, the complement: RELA is on the minus strand). VCF-style: chr11-65654745-T-C. GRCh37 (hg19) VCF-style: chr11-65422216-T-C.
Other names: c.1280A>G, p.Gln427Arg (NM_001145138.2); c.1082A>G, p.Gln361Arg (NM_001243984.2); c.1322A>G, p.Gln441Arg (NM_001404657.1); c.1262A>G, p.Gln421Arg (NM_001404658.1); c.1076A>G, p.Gln359Arg (NM_001404659.1); c.971A>G, p.Gln324Arg (NM_001404660.1); c.908A>G, p.Gln303Arg (NM_001404661.1); c.1196A>G, p.Gln399Arg (NM_001404662.1, NM_001404663.1); and 1 more; short protein forms Q324R, Q427R, Q303R, Q359R, Q421R, Q430R, Q441R, Q361R.
Identifiers: ClinVar variation 2899203 (VCV002899203.3), dbSNP rs1297711254, ClinGen allele CA381387464.

ClinVar aggregate classification (germline): Uncertain significance (1 of 4 stars; one submission).

Allele frequency attached by ClinVar (database versions not stated): gnomAD 0.00001; TOPMed 0.00002; gnomAD exomes 0.00004.
gnomAD v4.1: 56 of 1,509,648 alleles (0.0037%); highest among the groups gnomAD compares: Non-Finnish European, 0.0049%; no homozygotes.

Submission:

Labcorp Genetics (formerly Invitae), Labcorp
Classification: Uncertain significance. Last evaluated: 2023-05-20. Review status: criteria provided, single submitter. Criteria: Invitae Variant Classification Sherloc (09022015). Collection method: clinical testing. Allele origin: germline.
Comment: This sequence change replaces glutamine, which is neutral and polar, with arginine, which is basic and polar, at codon 430 of the RELA protein (p.Gln430Arg). This variant is present in population databases (no rsID available, gnomAD 0.004%). This variant has not been reported in the literature in individuals affected with RELA-related conditions. An algorithm developed to predict the effect of missense changes on protein structure and function (PolyPhen-2) suggests that this variant is likely to be tolerated. In summary, the available evidence is currently insufficient to determine the role of this variant in disease. Therefore, it has been classified as a Variant of Uncertain Significance.